The following is an entry in ClinVar:

NM_001267550.2(TTN):c.57345T>A (p.Tyr19115Ter)

Genes: TTN (titin; minus strand), TTN-AS1 (TTN antisense RNA 1; plus strand). Cytogenetic location: 2q31.2.
Variant type: single nucleotide variant.
Coding change: c.57345T>A on transcript NM_001267550.2 (MANE Select); coding-DNA position 57345, T replaced by A.
Protein change: p.Tyr19115Ter; replaces tyrosine 19115 with a stop codon.
Molecular consequence: nonsense.
Genome position (GRCh38, 1-based): chr2:178,597,737, A>T on the plus strand (T>A on the coding strand, the complement: TTN is on the minus strand). VCF-style: chr2-178597737-A-T. GRCh37 (hg19) VCF-style: chr2-179462464-A-T.
Other names: c.52422T>A, p.Tyr17474Ter (NM_001256850.1); c.30150T>A, p.Tyr10050Ter (NM_003319.4); c.49641T>A, p.Tyr16547Ter (NM_133378.4); c.30525T>A, p.Tyr10175Ter (NM_133432.3); c.30726T>A, p.Tyr10242Ter (NM_133437.4); short protein forms Y10242*, Y17474*, Y10175*, Y16547*, Y10050*, Y19115*.
Identifiers: ClinVar variation 2012961 (VCV002012961.4), dbSNP rs879000172, ClinGen allele CA349521385.

ClinVar aggregate classification (germline): Likely pathogenic (1 of 4 stars; one submission).

Conditions:
Dilated cardiomyopathy 1G (CMD1G). Identifiers: Orphanet 154, MedGen C1858763, MONDO:0011400, OMIM 604145.
Autosomal recessive limb-girdle muscular dystrophy type 2J (LGMDR10). Also called: Limb-girdle muscular dystrophy, type 2J; MUSCULAR DYSTROPHY, LIMB-GIRDLE, AUTOSOMAL RECESSIVE 10. Identifiers: Orphanet 140922, MedGen C1837342, MONDO:0012127, OMIM 608807.

Submission:

Labcorp Genetics (formerly Invitae), Labcorp
Classification: Likely pathogenic for Dilated cardiomyopathy 1G; Autosomal recessive limb-girdle muscular dystrophy type 2J. Last evaluated: 2023-05-02. Review status: criteria provided, single submitter. Criteria: Invitae Variant Classification Sherloc (09022015). Collection method: clinical testing. Allele origin: germline.
Comment: In summary, the currently available evidence indicates that the variant is pathogenic, but additional data are needed to prove that conclusively. Therefore, this variant has been classified as Likely Pathogenic. This variant is located in the A band of TTN (PMID: 25589632). Truncating variants in this region are significantly overrepresented in patients affected with dilated cardiomyopathy (PMID: 25589632). Truncating variants in this region have also been reported in individuals affected with autosomal recessive centronuclear myopathy (PMID: 23975875). ClinVar contains an entry for this variant (Variation ID: 2012961). This variant has not been reported in the literature in individuals affected with TTN-related conditions. This variant is not present in population databases (gnomAD no frequency). This sequence change creates a premature translational stop signal (p.Tyr19115*) in the TTN gene. While this is not anticipated to result in nonsense mediated decay, it is expected to create a truncated TTN protein.

Literature cited by the submitters: PubMed 25589632; PubMed 23975875.